The following is an entry in ClinVar:

ClinVar aggregate classification (germline): Benign (1 of 4 stars; one submission).

Submission:

Unidad de Genómica Garrahan, Hospital de Pediatría Garrahan
Classification: Benign. Last evaluated: 2024-01-24. Review status: criteria provided, single submitter. Criteria: ACMG Guidelines, 2015. Collection method: clinical testing. Allele origin: germline. Affected: no. Observed: 19 variant alleles.
Comment: This variant is classified as Benign based on local population frequency. This variant was detected in 20% of patients studied by a panel of primary immunodeficiencies. Number of patients: 19. Only high quality variants are reported.

NM_015122.3(FCHO1):c.1260-87dup

Gene: FCHO1 (FCH and mu domain containing endocytic adaptor 1; plus strand). Cytogenetic location: 19p13.11.
Variant type: Duplication.
Coding change: c.1260-87dup on transcript NM_015122.3 (MANE Select); 87 bases into the intron before coding-DNA position 1260, one base duplicated (A; older notation c.1260-87dupA).
Molecular consequence: intron variant.
Genome position (GRCh38, 1-based): chr19:17,778,050, A duplicated; the last of 12 consecutive A bases (chr19:17,778,039-17,778,050); duplicating any one gives the same sequence. VCF-style (leftmost placement, unchanged base first): chr19-17778038-C-CA. GRCh37 (hg19) VCF-style: chr19-17888847-C-CA.
Other names: c.1260-87dup (NM_001384370.1, NM_001384396.1, NM_001384404.1 and 25 more transcripts); c.1185-87dup (NM_001384390.1); c.1110-87dup (NM_001384406.1, NM_001384384.1, NM_001384385.1 and 2 more transcripts); c.1057+1779dup (NM_001384407.1); c.1215-87dup (NM_001384403.1); c.1221-87dup (NM_001384388.1, NM_001384405.1, NM_001384389.1).
Identifiers: ClinVar variation 2687920 (VCV002687920.2), dbSNP rs34991275, ClinGen allele CA306116414.
Genomic context (GRCh38, chr19:17,778,038, plus strand): 5'-GCAGCAAGCTGAGATCGTGCCACTGCACTGCAGCCTGGCCGACAGAGCAAGACTCCGTCT[C>CA]AAAAAAAAAAAAGACTGGGAACAGCATGTGCAAAGGCCCCAGGGTGGGATGAGGCTTGGG-3'